The following is an entry in ClinVar:

ClinVar aggregate classification (germline): Uncertain significance (1 of 4 stars; one submission).

Conditions:
Achondrogenesis, type IB (ACG1B). Also called: Achondrogenesis Type 1B. Identifiers: Orphanet 932, Orphanet 93298, MedGen C0265274, MONDO:0010966, OMIM 600972.
Multiple epiphyseal dysplasia type 4 (EDM4). Also called: SLC26A2-Related Multiple Epiphyseal Dysplasia; Multiple Epiphyseal Dysplasia, Recessive; MULTIPLE EPIPHYSEAL DYSPLASIA WITH BILAYERED PATELLAE; MULTIPLE EPIPHYSEAL DYSPLASIA WITH CLUBFOOT; MULTIPLE EPIPHYSEAL DYSPLASIA, AUTOSOMAL RECESSIVE. Identifiers: Orphanet 93307, MedGen C1847593, MONDO:0009189, OMIM 226900.
Atelosteogenesis type II (AO2). Also called: Neonatal osseous dysplasia 1; SLC26A2-Related Atelosteogenesis; NEONATAL OSSEOUS DYSPLASIA I. Identifiers: Orphanet 56304, MedGen C1850554, MONDO:0009727, OMIM 256050.
Diastrophic dysplasia (DTD). Also called: Diastrophic dwarfism. Identifiers: Orphanet 628, MedGen C0220726, MONDO:0009107, OMIM 222600.

Allele frequency attached by ClinVar (database versions not stated): gnomAD exomes below 0.00001; TOPMed 0.00001; ExAC 0.00002.
gnomAD v4.1: 5 of 1,614,054 alleles (0.00031%); highest among the groups gnomAD compares: South Asian, 0.0033%; no homozygotes.

Submission:

Labcorp Genetics (formerly Invitae), Labcorp
Classification: Uncertain significance for Atelosteogenesis type II; Multiple epiphyseal dysplasia type 4; Achondrogenesis, type IB; Diastrophic dysplasia. Last evaluated: 2022-05-10. Review status: criteria provided, single submitter. Criteria: Invitae Variant Classification Sherloc (09022015). Collection method: clinical testing. Allele origin: germline.
Comment: This sequence change replaces lysine, which is basic and polar, with arginine, which is basic and polar, at codon 372 of the SLC26A2 protein (p.Lys372Arg). This variant is present in population databases (rs770371218, gnomAD 0.006%). This variant has not been reported in the literature in individuals affected with SLC26A2-related conditions. Advanced modeling of protein sequence and biophysical properties (such as structural, functional, and spatial information, amino acid conservation, physicochemical variation, residue mobility, and thermodynamic stability) performed at Invitae indicates that this missense variant is not expected to disrupt SLC26A2 protein function. Algorithms developed to predict the effect of sequence changes on RNA splicing suggest that this variant may create or strengthen a splice site. In summary, the available evidence is currently insufficient to determine the role of this variant in disease. Therefore, it has been classified as a Variant of Uncertain Significance.

NM_000112.4(SLC26A2):c.1115A>G (p.Lys372Arg)

Gene: SLC26A2 (solute carrier family 26 member 2; plus strand). Cytogenetic location: 5q32.
Variant type: single nucleotide variant.
Coding change: c.1115A>G on transcript NM_000112.4 (MANE Select); coding-DNA position 1115, A replaced by G.
Protein change: p.Lys372Arg; replaces lysine 372 with arginine.
Molecular consequence: missense variant.
Genome position (GRCh38, 1-based): chr5:149,980,708, A>G. VCF-style: chr5-149980708-A-G. GRCh37 (hg19) VCF-style: chr5-149360271-A-G.
Other names: short protein forms K372R.
Identifiers: ClinVar variation 2159831 (VCV002159831.1), dbSNP rs770371218, ClinGen allele CA3505385.